The following is an entry in ClinVar:

NM_007294.4(BRCA1):c.71_72del (p.Cys24fs)

Gene: BRCA1 (BRCA1 DNA repair associated; minus strand). Cytogenetic location: 17q21.31.
Variant type: Microsatellite.
Coding change: c.71_72del on transcript NM_007294.4 (MANE Select); coding-DNA positions 71 to 72, 2 bases deleted (GT; older notation c.71_72delGT).
Protein change: p.Cys24fs; shifts the reading frame from cysteine 24.
Molecular consequence: frameshift variant. On other transcripts: 5 prime UTR variant (1), non-coding transcript variant (1).
Genome position (GRCh38, 1-based): chr17:43,124,025-43,124,026, AC deleted on the plus strand (GT on the coding strand, the reverse complement: BRCA1 is on the minus strand); deleting any 2 consecutive bases within chr17:43,124,025-43,124,028 gives the same sequence; the c. name uses the placement nearest the transcript's 3' end. VCF-style (leftmost placement, unchanged base first): chr17-43124024-GAC-G. GRCh37 (hg19) VCF-style: chr17-41276041-GAC-G.
Other names: 190delGT-ter39; c.71_72del (NM_007294.3); c.-120_-119GT[1] (NM_001407571.1, NM_001407853.1, NM_001407879.1 and 46 more transcripts); c.69_70GT[1], p.Cys24Serfs (NM_001407581.1, NM_001407582.1, NM_001407583.1 and 191 more transcripts); c.-189_-188GT[1] (NM_001407694.1, NM_001407724.1, NM_001407727.1 and 11 more transcripts); c.-193_-192GT[1] (NM_001407695.1, NM_001408465.1); c.-334_-333GT[1] (NM_001407696.1); c.-218_-217GT[1] (NM_001407697.1, NM_001407846.1, NM_001407920.1); and 12 more; short protein forms C24fs.
Identifiers: ClinVar variation 266572 (VCV000266572.6), dbSNP rs886040312, ClinGen allele CA10590041.

ClinVar aggregate classification (germline): Pathogenic. Review status: reviewed by expert panel (3 of 4 stars). 2 submissions from 2 submitters: Pathogenic (1). 1 of the submissions does not count toward it. Last evaluated 2016-10-18.

Conditions:
Breast-ovarian cancer, familial, susceptibility to, 1 (BROVCA1). Also called: BRCA1 Hereditary Breast and Ovarian Cancer; OVARIAN CANCER, SUSCEPTIBILITY TO. Identifiers: Orphanet 145, MedGen C2676676, MONDO:0011450, OMIM 604370. Disease mechanism: loss of function.

Submissions (2):

Evidence-based Network for the Interpretation of Germline Mutant Alleles (ENIGMA)
Classification: Pathogenic for Breast-ovarian cancer, familial, susceptibility to, 1. Last evaluated: 2016-10-18. Review status: reviewed by expert panel. Criteria: ENIGMA BRCA1/2 Classification Criteria (2015). Collection method: curation. Allele origin: germline.
Comment: Variant allele predicted to encode a truncated non-functional protein.

Consortium of Investigators of Modifiers of BRCA1/2 (CIMBA), c/o University of Cambridge
Classification: Pathogenic for Breast-ovarian cancer, familial, susceptibility to, 1. Last evaluated: 2015-10-02. Review status: criteria provided, single submitter. Criteria: CIMBA Mutation Classification guidelines May 2016. Collection method: clinical testing. Allele origin: germline. Not counted in ClinVar's aggregate classification.